The following is an entry in ClinVar:

ClinVar aggregate classification (germline): Uncertain significance (1 of 4 stars; one submission).

gnomAD v4.1: 1 of 1,612,254 alleles (0.000062%); highest among the groups gnomAD compares: Non-Finnish European, 0.000085%; no homozygotes.

Submission:

Ambry Genetics
Classification: Uncertain significance. Last evaluated: 2025-01-01. Review status: criteria provided, single submitter. Criteria: Ambry Variant Classification Scheme 2023. Collection method: clinical testing. Allele origin: germline.
Comment: The p.A12V variant (also known as c.35C>T), located in coding exon 1 of the GFI1 gene, results from a C to T substitution at nucleotide position 35. The alanine at codon 12 is replaced by valine, an amino acid with similar properties. This amino acid position is conserved. In addition, the in silico prediction for this alteration is inconclusive. Based on the available evidence, the clinical significance of this variant remains unclear.

NM_005263.5(GFI1):c.35C>T (p.Ala12Val)

Gene: GFI1 (growth factor independent 1 transcriptional repressor; minus strand). Cytogenetic location: 1p22.1.
Variant type: single nucleotide variant.
Coding change: c.35C>T on transcript NM_005263.5 (MANE Select); coding-DNA position 35, C replaced by T.
Protein change: p.Ala12Val; replaces alanine 12 with valine.
Molecular consequence: missense variant.
Genome position (GRCh38, 1-based): chr1:92,483,453, G>A on the plus strand (C>T on the coding strand, the complement: GFI1 is on the minus strand). VCF-style: chr1-92483453-G-A. GRCh37 (hg19) VCF-style: chr1-92949010-G-A.
Other names: c.35C>T, p.Ala12Val (NM_001127215.3, NM_001127216.3); short protein forms A12V.
Identifiers: ClinVar variation 3853674 (VCV003853674.1).